The following is an entry in ClinVar:

ClinVar aggregate classification (germline): Uncertain significance (1 of 4 stars; one submission).

Conditions:
Epidermolysis bullosa simplex 3, localized or generalized intermediate, with BP230 deficiency (EBS3). Also called: Epidermolysis bullosa simplex due to BP230 deficiency; Epidermolysis bullosa simplex, autosomal recessive 2. Identifiers: Orphanet 412181, MedGen C3809470, MONDO:0014180, OMIM 615425.
Hereditary sensory and autonomic neuropathy type 6. Also called: Neuropathy, hereditary sensory and autonomic, type VI; HSAN VI. Identifiers: Orphanet 314381, MedGen C3539003, MONDO:0013839, OMIM 614653.

Allele frequency attached by ClinVar (database versions not stated): ExAC 0.00002; TOPMed 0.00004; gnomAD 0.00006 and 0.00007; ESP Exome Variant Server 0.00008.
gnomAD v4.1: 20 of 1,613,804 alleles (0.0012%); highest among the groups gnomAD compares: African/African-American, 0.016%; no homozygotes.

Submission:

Labcorp Genetics (formerly Invitae), Labcorp
Classification: Uncertain significance for Epidermolysis bullosa simplex 3, localized or generalized intermediate, with BP230 deficiency; Hereditary sensory and autonomic neuropathy type 6. Last evaluated: 2022-02-01. Review status: criteria provided, single submitter. Criteria: Invitae Variant Classification Sherloc (09022015). Collection method: clinical testing. Allele origin: germline.
Comment: This variant is present in population databases (rs367670667, gnomAD 0.02%). This sequence change replaces proline, which is neutral and non-polar, with serine, which is neutral and polar, at codon 995 of the DST protein (p.Pro995Ser). This variant has not been reported in the literature in individuals affected with DST-related conditions. In summary, the available evidence is currently insufficient to determine the role of this variant in disease. Therefore, it has been classified as a Variant of Uncertain Significance. Algorithms developed to predict the effect of missense changes on protein structure and function (SIFT, PolyPhen-2, Align-GVGD) all suggest that this variant is likely to be disruptive. ClinVar contains an entry for this variant (Variation ID: 950239).

NM_001374736.1(DST):c.4594C>T (p.Pro1532Ser)

Gene: DST (dystonin; minus strand). Cytogenetic location: 6p12.1.
Variant type: single nucleotide variant.
Coding change: c.4594C>T on transcript NM_001374736.1 (MANE Select); coding-DNA position 4594, C replaced by T.
Protein change: p.Pro1532Ser; replaces proline 1532 with serine.
Molecular consequence: missense variant.
Genome position (GRCh38, 1-based): chr6:56,628,043, G>A on the plus strand (C>T on the coding strand, the complement: DST is on the minus strand). VCF-style: chr6-56628043-G-A. GRCh37 (hg19) VCF-style: chr6-56492841-G-A.
Other names: c.4495C>T, p.Pro1499Ser (NM_001144769.5); c.4081C>T, p.Pro1361Ser (NM_001144770.2); c.4594C>T, p.Pro1532Ser (NM_001374722.1); c.3961C>T, p.Pro1321Ser (NM_001374729.1, NM_001374730.1, NM_001386100.1 and 1 more transcripts); c.4621C>T, p.Pro1541Ser (NM_001374734.1); c.2983C>T, p.Pro995Ser (NM_001723.7, NM_015548.5); short protein forms P1321S, P1361S, P1541S, P995S, P1499S, P1532S.
Identifiers: ClinVar variation 950239 (VCV000950239.10), dbSNP rs367670667, ClinGen allele CA3870861.